The following is an entry in ClinVar:

ClinVar aggregate classification (germline): Uncertain significance. Review status: criteria provided, multiple submitters, no conflicts (2 of 4 stars). 3 submissions from 3 submitters: Uncertain significance (3). Last evaluated 2025-01-03.

Conditions:
Hereditary cancer-predisposing syndrome. Also called: Neoplastic Syndromes, Hereditary; Tumor predisposition; Hereditary Cancer Syndrome; Hereditary neoplastic syndrome. Identifiers: Orphanet 140162, MedGen C0027672, MeSH D009386, MONDO:0015356.

Allele frequency attached by ClinVar (database versions not stated): TOPMed 0.00005.
gnomAD v4.1: 1 of 1,612,692 alleles (0.000062%); highest among the groups gnomAD compares: Non-Finnish European, 0.000085%; no homozygotes.

Submissions (3):

Ambry Genetics
Classification: Uncertain significance for Hereditary cancer-predisposing syndrome. Last evaluated: 2025-01-03. Review status: criteria provided, single submitter. Criteria: Ambry Variant Classification Scheme 2023. Collection method: clinical testing. Allele origin: germline.
Comment: The c.-3G>C variant is located in the 5' untranslated region (5&rsquo;UTR) of the CHEK2 gene. This variant results from a G to C substitution 3 nucleotides upstream from the first translated codon. Based on nucleotide sequence alignment, this position is not well conserved in available vertebrate species. Since supporting evidence is limited at this time, the clinical significance of this alteration remains unclear.

GeneDx
Classification: Uncertain significance. Last evaluated: 2020-09-08. Review status: criteria provided, single submitter. Criteria: GeneDx Variant Classification Process June 2021. Collection method: clinical testing. Allele origin: germline. Affected: yes.
Comment: Describes a nucleotide substitution 3 base pairs upstream of the ATG translational start site of the CHEK2 gene, occurring in the Kozak sequence, the conserved nucleotides just upstream of the ATG start codon, which play a major role in the initiation of translation; Nucleotide substitution has no predicted effect on splicing and is not conserved across species; Not observed in large population cohorts (Lek et al., 2016); Has not been previously published as pathogenic or benign to our knowledge

Color Diagnostics, LLC DBA Color Health
Classification: Uncertain significance for Hereditary cancer-predisposing syndrome. Last evaluated: 2019-01-31. Review status: criteria provided, single submitter. Criteria: ACMG Guidelines, 2015. Collection method: clinical testing. Allele origin: germline.

NM_007194.4(CHEK2):c.-3G>C

Gene: CHEK2 (checkpoint kinase 2; minus strand). Cytogenetic location: 22q12.1.
Variant type: single nucleotide variant.
Coding change: c.-3G>C on transcript NM_007194.4 (MANE Select); 3 bases upstream of the start codon, G replaced by C.
Molecular consequence: 5 prime UTR variant.
Genome position (GRCh38, 1-based): chr22:28,734,724, C>G on the plus strand (G>C on the coding strand, the complement: CHEK2 is on the minus strand). VCF-style: chr22-28734724-C-G. GRCh37 (hg19) VCF-style: chr22-29130712-C-G.
Other names: c.-3G>C (NM_001005735.3, NM_001349956.3, NM_145862.3); c.-780G>C (NM_001257387.3).
Identifiers: ClinVar variation 231212 (VCV000231212.11), dbSNP rs876659027, ClinGen allele CA10577644.
Genomic context (GRCh38, chr22:28,734,724, plus strand): 5'-GTGAACAGGCACTGCTGCCATGAGACTGCTGAGCCTCAACATCCGACTCCCGAGACATCA[C>G]GACCTCAAAAAGAAAGTGTCCAACAACAAAGGTGAGTTTCAAGGCACAAGACTTAAAATT-3'